The following is an entry in ClinVar:

ClinVar aggregate classification (germline): Uncertain significance (1 of 4 stars; one submission).

Conditions:
Leukocyte adhesion deficiency 1 (LAD1). Also called: LEUKOCYTE ADHESION DEFICIENCY, TYPE I; LAD 1; Lymphocyte function-associated antigen 1 immunodeficiency; LFA 1 immunodeficiency. Identifiers: Orphanet 2968, Orphanet 99842, MedGen C0398738, MONDO:0007293, OMIM 116920.

Allele frequency attached by ClinVar (database versions not stated): TOPMed below 0.00001.

Submission:

Labcorp Genetics (formerly Invitae), Labcorp
Classification: Uncertain significance for Leukocyte adhesion deficiency 1. Last evaluated: 2017-07-22. Review status: criteria provided, single submitter. Criteria: Invitae Variant Classification Sherloc (09022015). Collection method: clinical testing. Allele origin: germline.
Comment: Algorithms developed to predict the effect of missense changes on protein structure and function output the following: SIFT: "Tolerated"; PolyPhen-2: "Benign"; Align-GVGD: "Class C0". The aspartic acid amino acid residue is found in multiple mammalian species, suggesting that this missense change does not adversely affect protein function. These predictions have not been confirmed by published functional studies and their clinical significance is uncertain. In summary, the available evidence is currently insufficient to determine the role of this variant in disease. Therefore, it has been classified as a Variant of Uncertain Significance. This variant has not been reported in the literature in individuals with ITGB2-related disease. This variant is not present in population databases (ExAC no frequency). This sequence change replaces glycine with aspartic acid at codon 94 of the ITGB2 protein (p.Gly94Asp). The glycine residue is weakly conserved and there is a moderate physicochemical difference between glycine and aspartic acid.

NM_000211.5(ITGB2):c.281G>A (p.Gly94Asp)

Gene: ITGB2 (integrin subunit beta 2; minus strand). Cytogenetic location: 21q22.3.
Variant type: single nucleotide variant.
Coding change: c.281G>A on transcript NM_000211.5 (MANE Select); coding-DNA position 281, G replaced by A.
Protein change: p.Gly94Asp; replaces glycine 94 with aspartic acid.
Molecular consequence: missense variant.
Genome position (GRCh38, 1-based): chr21:44,906,962, C>T on the plus strand (G>A on the coding strand, the complement: ITGB2 is on the minus strand). VCF-style: chr21-44906962-C-T. GRCh37 (hg19) VCF-style: chr21-46326877-C-T.
Other names: c.281G>A, p.Gly94Asp (NM_001127491.3); c.74G>A, p.Gly25Asp (NM_001303238.2); short protein forms G94D, G25D.
Identifiers: ClinVar variation 461474 (VCV000461474.9), dbSNP rs761719553, ClinGen allele CA410479574.